The following is an entry in ClinVar:

NM_004667.6(HERC2):c.4043C>T (p.Thr1348Ile)

Gene: HERC2 (HECT and RLD domain containing E3 ubiquitin protein ligase 2; minus strand). Cytogenetic location: 15q13.1.
Variant type: single nucleotide variant.
Coding change: c.4043C>T on transcript NM_004667.6 (MANE Select); coding-DNA position 4043, C replaced by T.
Protein change: p.Thr1348Ile; replaces threonine 1348 with isoleucine.
Molecular consequence: missense variant.
Genome position (GRCh38, 1-based): chr15:28,234,245, G>A on the plus strand (C>T on the coding strand, the complement: HERC2 is on the minus strand). VCF-style: chr15-28234245-G-A. GRCh37 (hg19) VCF-style: chr15-28479391-G-A.
Other names: short protein forms T1348I.
Identifiers: ClinVar variation 1029880 (VCV001029880.1), dbSNP rs1902187565, ClinGen allele CA391386216.

ClinVar aggregate classification (germline): Uncertain significance (1 of 4 stars; one submission).

Conditions:
Developmental delay with autism spectrum disorder and gait instability (MRT38). Also called: Intellectual developmental disorder, autosomal recessive 38. Identifiers: Orphanet 329195, MedGen C3809753, MONDO:0014224, OMIM 615516.

Submission:

Baylor Genetics
Classification: Uncertain significance for Developmental delay with autism spectrum disorder and gait instability. Last evaluated: 2020-01-20. Review status: criteria provided, single submitter. Criteria: ACMG Guidelines, 2015. Collection method: clinical testing. Allele origin: unknown. Affected: yes.
Comment: This variant was determined to be of uncertain significance according to ACMG Guidelines, 2015 [PMID:25741868].